The following is an entry in ClinVar:

ClinVar aggregate classification (germline): Likely pathogenic (1 of 4 stars; one submission).

Conditions:
Pachyonychia congenita 1 (PC1). Also called: KRT16-Related Pachyonychia Congenita; Jadassohn Lewandowsky syndrome; PACHYONYCHIA CONGENITA, LATE ONSET. Identifiers: Orphanet 2309, MedGen C1706595, MONDO:0008173, OMIM 167200.

Submission:

Department of Dermatology, Dermatology Hospital of Fuzhou
Classification: Likely pathogenic for Pachyonychia congenita 1. Last evaluated: 2024-04-02. Review status: criteria provided, single submitter. Criteria: ACMG Guidelines, 2015. Collection method: research. Allele origin: de novo. Inheritance: Autosomal dominant inheritance. Affected: yes. Observed: 1 variant allele, 1 heterozygote.
Comment: PVS1_Moderate: This variant is a 640-bp genomic deletion (NC_000017.11:g.41610860_41611499del, GRCh38) predicted to remove 437 coding nucleotides (NM_005557.4:c.617_1053del), resulting in a frameshift at codon 206 [p.(Gly206GlufsTer14)] and introducing a premature termination codon (PTC) after 14 altered amino acids. The PTC is located >55 nucleotides upstream of the final exon-exon junction, which may render the transcript susceptible to nonsense-mediated mRNA decay (NMD). It is acknowledged that KRT16-associated pachyonychia congenita is predominantly caused by dominant-negative missense variants, and the pathogenic role of NMD-mediated loss-of-function in this gene is less extensively documented compared to dominant-negative mechanisms. Nevertheless, reported loss-of-function variants (including frameshift and large deletions) in patients with pachyonychia congenita type 1 (OMIM #167200) provide preliminary gene-specific evidence that NMD-mediated haploinsufficiency can represent a pathogenic mechanism for KRT16. The deletion removes a substantial portion of the central rod domain essential for keratin filament assembly. Given the predicted null effect and the reported LOF cases, PVS1 is applied at the moderate level (PVS1_Moderate). PM2_Supporting: This 640-bp genomic deletion was queried in gnomAD short-variant datasets (v4.1.1) and gnomAD-SV v4 (structural variant database). No allele count was observed at the KRT16 locus (NC_000017.11:g.41610860_41611499del) in either dataset. The variant is absent from all queried population databases, supporting that this is not a benign polymorphism. PS2: The variant was absent in both parents by Sanger sequencing, and biological parentage has been confirmed. This establishes a de novo origin. This phenotype is highly consistent with pachyonychia congenita and compatible with KRT16-related disease. Conclusion: Based on ACMG/AMP criteria applied as specified, this variant is classified as Likely pathogenic (PVS1_Moderate + PS2 + PM2_Supporting + PP4). The combination of a predicted NMD-mediated loss-of-function mechanism, confirmed de novo inheritance, absence from population databases, and a phenotype consistent with KRT16-related disease supports this classification.

NM_005557.4:c.617_1053del

Gene: KRT16 (keratin 16; minus strand).
Variant type: Deletion.
Other names: c.617_1053del (NM_005557.4).
Identifiers: ClinVar variation 4856814 (VCV004856814.1).